The following is an entry in ClinVar:

ClinVar aggregate classification (germline): Benign/Likely benign. Review status: criteria provided, multiple submitters, no conflicts (2 of 4 stars). 9 submissions from 9 submitters: Benign (4); Likely benign (5). Last evaluated 2026-01-28.

Conditions:
Epiphyseal dysplasia, multiple, 2 (EDM2). Also called: COL9A2-Related Multiple Epiphyseal Dysplasia. Identifiers: MedGen C1838429, MONDO:0010844, OMIM 600204.

Allele frequency attached by ClinVar (database versions not stated): gnomAD exomes 0.00020 and 0.00057; ExAC 0.00070; 1000 Genomes Project 30x 0.00156; 1000 Genomes Project 0.00160; gnomAD 0.00179 and 0.00195; TOPMed 0.00207; ESP Exome Variant Server 0.00269.
gnomAD v4.1: 580 of 1,614,052 alleles (0.036%); highest among the groups gnomAD compares: African/African-American, 0.68%; no homozygotes.

Submissions (9):

Labcorp Genetics (formerly Invitae), Labcorp
Classification: Benign. Last evaluated: 2026-01-28. Review status: criteria provided, single submitter. Criteria: Invitae Variant Classification Sherloc (09022015). Collection method: clinical testing. Allele origin: germline.

Women's Health and Genetics/Laboratory Corporation of America, LabCorp
Classification: Likely benign. Last evaluated: 2025-06-16. Review status: criteria provided, single submitter. Criteria: LabCorp Variant Classification Summary - May 2015. Collection method: clinical testing. Allele origin: germline.

CeGaT Center for Human Genetics Tuebingen
Classification: Likely benign. Last evaluated: 2025-05-01. Review status: criteria provided, single submitter. Criteria: CeGaT Center For Human Genetics Tuebingen Variant Classification Criteria Version 2. Collection method: clinical testing. Allele origin: germline. Affected: yes. Observed: 2 variant alleles.
Comment: COL9A2: BP4, BP7

Mayo Clinic Laboratories, Mayo Clinic
Classification: Benign. Last evaluated: 2024-10-24. Review status: criteria provided, single submitter. Criteria: ACMG Guidelines, 2015. Collection method: clinical testing. Allele origin: germline. Observed: 1 variant allele.
Comment: BA1, BP4, BP7

Blueprint Genetics
Classification: Likely benign. Last evaluated: 2024-10-16. Review status: criteria provided, single submitter. Criteria: ACMG Guidelines, 2015. Collection method: clinical testing. Allele origin: germline.

GeneDx
Classification: Likely benign. Last evaluated: 2019-12-09. Review status: criteria provided, single submitter. Criteria: GeneDx Variant Classification Process June 2021. Collection method: clinical testing. Allele origin: germline. Affected: yes.

Illumina Laboratory Services, Illumina
Classification: Benign for Epiphyseal dysplasia, multiple, 2. Last evaluated: 2018-01-13. Review status: criteria provided, single submitter. Criteria: ICSL Variant Classification Criteria 13 December 2019. Collection method: clinical testing. Allele origin: germline.
Comment: This variant was observed in the ICSL laboratory as part of a predisposition screen in an ostensibly healthy population. It had not been previously curated by ICSL or reported in the Human Gene Mutation Database (HGMD: prior to June 1st, 2018), and was therefore a candidate for classification through an automated scoring system. Utilizing variant allele frequency, disease prevalence and penetrance estimates, and inheritance mode, an automated score was calculated to assess if this variant is too frequent to cause the disease. Based on the score and internal cut-off values, a variant classified as benign is not then subjected to further curation. The score for this variant resulted in a classification of benign for this disease.

Eurofins Ntd Llc (ga)
Classification: Benign. Last evaluated: 2015-03-02. Review status: criteria provided, single submitter. Criteria: EGL Classification Definitions 2015. Collection method: clinical testing. Allele origin: germline. Observed: 2 variant alleles, 2 heterozygotes.

Breakthrough Genomics
Classification: Likely benign. Review status: criteria provided, single submitter. Criteria: ACMG Guidelines, 2015. Collection method: not provided. Allele origin: germline. Inheritance: Autosomal recessive inheritance. Affected: yes.

NM_001852.4(COL9A2):c.312C>T (p.Pro104=)

Gene: COL9A2 (collagen type IX alpha 2 chain; minus strand). Cytogenetic location: 1p34.2.
Variant type: single nucleotide variant.
Coding change: c.312C>T on transcript NM_001852.4 (MANE Select); coding-DNA position 312, C replaced by T.
Protein change: p.Pro104=; no amino-acid change (proline 104 retained).
Molecular consequence: synonymous variant.
Genome position (GRCh38, 1-based): chr1:40,312,601, G>A on the plus strand (C>T on the coding strand, the complement: COL9A2 is on the minus strand). VCF-style: chr1-40312601-G-A. GRCh37 (hg19) VCF-style: chr1-40778273-G-A.
Other names: p.Pro104=.
Identifiers: ClinVar variation 198137 (VCV000198137.47), dbSNP rs144072834, ClinGen allele CA203271.